The following is an entry in ClinVar:

ClinVar aggregate classification (germline): Pathogenic. Review status: criteria provided, multiple submitters, no conflicts (2 of 4 stars). 5 submissions from 5 submitters: Pathogenic (5). Last evaluated 2024-06-28.

Conditions:
DICER1-related tumor predisposition. Also called: DICER1 syndrome; DICER1-related pleuropulmonary blastoma cancer predisposition syndrome. Identifiers: Orphanet 284343, MedGen C3839822, MONDO:0100216.

Submissions (5):

Labcorp Genetics (formerly Invitae), Labcorp
Classification: Pathogenic for DICER1-related tumor predisposition. Last evaluated: 2024-06-28. Review status: criteria provided, single submitter. Criteria: Invitae Variant Classification Sherloc (09022015). Collection method: clinical testing. Allele origin: germline.
Comment: This sequence change creates a premature translational stop signal (p.Phe1772Cysfs*6) in the DICER1 gene. It is expected to result in an absent or disrupted protein product. Loss-of-function variants in DICER1 are known to be pathogenic (PMID: 19556464, 21266384). This variant is not present in population databases (gnomAD no frequency). This premature translational stop signal has been observed in individual(s) with pleuropulmonary blastoma (PMID: 26925222). ClinVar contains an entry for this variant (Variation ID: 242134). For these reasons, this variant has been classified as Pathogenic.

Institute for Genomic Medicine (IGM) Clinical Laboratory, Nationwide Children's Hospital
Classification: Pathogenic for DICER1-related tumor predisposition. Last evaluated: 2023-10-25. Review status: criteria provided, single submitter. Criteria: ACMG Guidelines, 2015. Collection method: clinical testing. Allele origin: germline.
Comment: This variant is predicted to result in loss of function through nonsense-mediated decay of the encoded transcript or premature truncation of the encoded protein in a gene in which loss of function is a known mechanism of disease (ACMG/AMP: PVS1). This variant has been reported at an elevated frequency in affected individuals/in multiple affected individuals in the literature (ACMG/AMP: PS4_Supporting; PMID:26925222). This variant is absent from or present at an exceedingly low frequency in gnomAD, a large-scale control population database (ACMG/AMP: PM2).

Foulkes Cancer Genetics LDI, Lady Davis Institute for Medical Research
Classification: Pathogenic for Pleuropulmonary blastoma. Last evaluated: 2019-07-01. Review status: criteria provided, single submitter. Criteria: ACMG Guidelines, 2015. Collection method: curation. Allele origin: germline. Affected: yes. Observed: 1 variant allele.
Comment: ACMG criteria met: PVS1, PM2, PP4

GeneDx
Classification: Pathogenic. Last evaluated: 2018-08-07. Review status: criteria provided, single submitter. Criteria: GeneDx Variant Classification (06012015). Collection method: clinical testing. Allele origin: germline. Affected: yes.
Comment: This deletion of two nucleotides in DICER1 is denoted c.5315_5316delTT at the cDNA level and p.Phe1772CysfsX6 (F1772CfsX6) at the protein level. The normal sequence, with the bases that are deleted in brackets, is GACT[delTT]GTGC. The deletion causes a frameshift which changes a Phenylalanine to a Cysteine at codon 1772, and creates a premature stop codon at position 6 of the new reading frame. This variant is predicted to cause loss of normal protein function through either protein truncation or nonsense-mediated mRNA decay. DICER1 c.5315_5316delTT has been reported in at least one individual with pleuropulmonary blastoma (Brenneman 2015). We consider this variant to be pathogenic.

International Pleuropulmonary Blastoma Registry, Children's Hospitals and Clinics of Minnesota
Classification: Pathogenic for Pleuropulmonary blastoma. Last evaluated: 2014-11-10. Review status: criteria provided, single submitter. Criteria: Hill et al. (Science. 2009). Collection method: clinical testing. Allele origin: germline. Affected: yes. Study: PPB-DICER1 Genetic study.

Literature cited by the submitters: PubMed 19556464 (cited by Labcorp Genetics (formerly Invitae), Labcorp); PubMed 21266384 (cited by Labcorp Genetics (formerly Invitae), Labcorp); PubMed 26925222 (cited by 4 submitters).

NM_177438.3(DICER1):c.5315_5316del (p.Phe1772fs)

Gene: DICER1 (dicer 1, ribonuclease III; minus strand). Cytogenetic location: 14q32.13.
Variant type: Deletion.
Coding change: c.5315_5316del on transcript NM_177438.3 (MANE Select); coding-DNA positions 5315 to 5316, 2 bases deleted (TT; older notation c.5315_5316delTT).
Protein change: p.Phe1772fs; shifts the reading frame from phenylalanine 1772.
Molecular consequence: frameshift variant.
Genome position (GRCh38, 1-based): chr14:95,093,936-95,093,937, AA deleted on the plus strand (TT on the coding strand, the reverse complement: DICER1 is on the minus strand); deleting any 2 consecutive bases within chr14:95,093,936-95,093,938 gives the same sequence; the c. name uses the placement nearest the transcript's 3' end. VCF-style (leftmost placement, unchanged base first): chr14-95093935-CAA-C. GRCh37 (hg19) VCF-style: chr14-95560272-CAA-C.
Other names: c.5315_5316delTT (NM_177438.2); c.5315_5316del, p.Phe1772fs (NM_001195573.1, NM_001271282.3, NM_001291628.2 and 1 more transcripts); short protein forms F1772fs.
Identifiers: ClinVar variation 242134 (VCV000242134.15), dbSNP rs878855274, ClinGen allele CA10583185.